The following is an entry in ClinVar:

ClinVar aggregate classification (germline): Pathogenic (1 of 4 stars; one submission).

Submission:

GeneDx
Classification: Pathogenic. Last evaluated: 2021-04-22. Review status: criteria provided, single submitter. Criteria: GeneDx Variant Classification Process June 2021. Collection method: clinical testing. Allele origin: germline. Affected: yes.
Comment: Frameshift variant in the C-terminus predicted to result in protein truncation, as the last 2891 amino acids are lost and replaced with 14 incorrect amino acids (Stenson et al., 2014); Not observed at a significant frequency in large population cohorts (Lek et al., 2016); Has not been previously published as pathogenic or benign to our knowledge

NM_002016.2(FLG):c.3510del (p.Ser1171fs)

Genes: FLG (filaggrin; minus strand), FLG-AS1 (FLG antisense RNA 1; plus strand). Cytogenetic location: 1q21.3.
Variant type: Deletion.
Coding change: c.3510del on transcript NM_002016.2 (MANE Select); coding-DNA position 3510, one base deleted (G; older notation c.3510delG).
Protein change: p.Ser1171fs; shifts the reading frame from serine 1171.
Molecular consequence: frameshift variant.
Genome position (GRCh38, 1-based): chr1:152,311,376, C deleted on the plus strand (G on the coding strand, the reverse complement: FLG is on the minus strand); the first of 4 consecutive C bases (chr1:152,311,376-152,311,379); deleting any one gives the same sequence. VCF-style (leftmost placement, unchanged base first): chr1-152311375-AC-A. GRCh37 (hg19) VCF-style: chr1-152283851-AC-A.
Other names: c.3510delG (NM_002016.1); short protein forms S1171fs.
Identifiers: ClinVar variation 451498 (VCV000451498.3), dbSNP rs1370544496, ClinGen allele CA526662254.